The following is an entry in ClinVar:

NM_003907.3(EIF2B5):c.1280C>T (p.Pro427Leu)

Gene: EIF2B5 (eukaryotic translation initiation factor 2B subunit epsilon; plus strand). Cytogenetic location: 3q27.1.
Variant type: single nucleotide variant.
Coding change: c.1280C>T on transcript NM_003907.3 (MANE Select); coding-DNA position 1280, C replaced by T.
Protein change: p.Pro427Leu; replaces proline 427 with leucine.
Molecular consequence: missense variant.
Genome position (GRCh38, 1-based): chr3:184,142,048, C>T. VCF-style: chr3-184142048-C-T. GRCh37 (hg19) VCF-style: chr3-183859836-C-T.
Other names: short protein forms P427L.
Identifiers: ClinVar variation 1208981 (VCV001208981.17), dbSNP rs113994078, ClinGen allele CA2726631.
Genomic context (GRCh38, chr3:184,142,048, plus strand): 5'-AGATCCATCAGTCTCTGCTTTGTGACAATGCTGAGGTCAAGGAACGAGTGACACTGAAAC[C>T]ACGCTCTGTCCTCACTTCCCAGGTGAGACCTGATCTATACTGTGCACAGGCCCTGAATTG-3'
Protein context (NP_003898.2, residues 417-437): AEVKERVTLK[Pro427Leu]RSVLTSQVVV

ClinVar aggregate classification (germline): Pathogenic/Likely pathogenic. Review status: criteria provided, multiple submitters, no conflicts (2 of 4 stars). 5 submissions from 5 submitters: Pathogenic (2); Likely pathogenic (3). Last evaluated 2024-09-10.

Conditions:
Leukoencephalopathy with vanishing white matter 5 (VWM5). Also called: Leukoencephalopathy with vanishing white matter 5, with or without ovarian failure; EIF2B5-Related Childhood Ataxia with Central Nervous System Hypomyelination/Vanishing White Matter. Identifiers: MedGen C5779973, MONDO:0957873, OMIM 620315.
Vanishing white matter disease. Also called: CACH syndrome; Childhood ataxia with diffuse central nervous system hypomyelination; Leukoencephalopathy with vanishing white matter; CACH/VWM syndrome; Cree leukoencehalopathy. Identifiers: Orphanet 135, Orphanet 99853, MedGen C1858991, MONDO:0800448.

Allele frequency attached by ClinVar (database versions not stated): TOPMed below 0.00001; ExAC 0.00001; gnomAD exomes 0.00001.
gnomAD v4.1: 11 of 1,614,160 alleles (0.00068%); highest among the groups gnomAD compares: Non-Finnish European, 0.00093%; no homozygotes.

Submissions (5):

Women's Health and Genetics/Laboratory Corporation of America, LabCorp
Classification: Pathogenic for Vanishing white matter disease. Last evaluated: 2024-09-10. Review status: criteria provided, single submitter. Criteria: LabCorp Variant Classification Summary - May 2015. Collection method: clinical testing. Allele origin: germline.
Comment: Variant summary: EIF2B5 c.1280C>T (p.Pro427Leu) results in a non-conservative amino acid change in the encoded protein sequence. Four of five in-silico tools predict a damaging effect of the variant on protein function. The variant allele was found at a frequency of 8e-06 in 251484 control chromosomes. c.1280C>T has been reported in the literature in multiple homozygous or compound heterozygous individuals affected with Leukoencephalopathy With Vanishing White Matter (e.g. Fogli_2004, Horzinski_2011, Ferreira_2015, Slynko_2021). These data indicate that the variant is very likely to be associated with disease. To our knowledge, no experimental evidence demonstrating an impact on protein function has been reported. The following publications have been ascertained in the context of this evaluation (PMID: 26162493, 15136673, 20016818, 33432707). ClinVar contains an entry for this variant (Variation ID: 1208981). Based on the evidence outlined above, the variant was classified as pathogenic.

Natera, Inc.
Classification: Likely pathogenic for Leukoencephalopathy with vanishing white matter. Last evaluated: 2024-07-11. Review status: criteria provided, single submitter. Criteria: Natera Variant Classification Schema (03/2026). Collection method: clinical testing. Allele origin: germline.
Comment: The c.1280C>T variant in EIF2B5 is a missense variant predicted to cause substitution of proline to leucine at amino acid 427. This variant is rare in the general population with a frequency below the threshold expected for the associated phenotype(s). This variant has been observed in one or more individuals affected with the associated recessive disease, as either homozygous or compound heterozygous with a second variant (PMID: 33432707, 20016818, 26162493). Additionally, this variant has been observed to segregate in affected family members (PMID: 33432707). Given the available evidence, this variant is classified as Likely Pathogenic.

Centre for Inherited Metabolic Diseases, Karolinska University Hospital
Classification: Likely pathogenic for Leukoencephalopathy with vanishing white matter 5. Last evaluated: 2024-03-06. Review status: criteria provided, single submitter. Criteria: ACMG Guidelines, 2015. Collection method: clinical testing. Allele origin: inherited. Inheritance: Autosomal recessive inheritance. Affected: yes. Observed: 1 compound heterozygote.

Labcorp Genetics (formerly Invitae), Labcorp
Classification: Likely pathogenic. Last evaluated: 2023-10-07. Review status: criteria provided, single submitter. Criteria: Invitae Variant Classification Sherloc (09022015). Collection method: clinical testing. Allele origin: germline.
Comment: This sequence change replaces proline, which is neutral and non-polar, with leucine, which is neutral and non-polar, at codon 427 of the EIF2B5 protein (p.Pro427Leu). This variant is present in population databases (rs113994078, gnomAD 0.002%). This missense change has been observed in individuals with clinical features of childhood ataxia with central nervous system hypomyelination/leukoencephalopathy with vanishing white matter (PMID: 15136673, 20016818). ClinVar contains an entry for this variant (Variation ID: 1208981). Advanced modeling of protein sequence and biophysical properties (such as structural, functional, and spatial information, amino acid conservation, physicochemical variation, residue mobility, and thermodynamic stability) performed at Invitae indicates that this missense variant is expected to disrupt EIF2B5 protein function. In summary, the currently available evidence indicates that the variant is pathogenic, but additional data are needed to prove that conclusively. Therefore, this variant has been classified as Likely Pathogenic.

GeneDx
Classification: Pathogenic. Last evaluated: 2023-06-16. Review status: criteria provided, single submitter. Criteria: GeneDx Variant Classification Process June 2021. Collection method: clinical testing. Allele origin: germline. Affected: yes.
Comment: Observed multiple times with a pathogenic variant in unrelated patients with features of an EIF2B5-related disorder in published literature, but it is not known whether the variants occurred on the same (in cis) or on different (in trans) chromosomes (Fogli et al., 2004; Ferreira et al., 2015); Not observed at significant frequency in large population cohorts (gnomAD); In silico analysis supports that this missense variant has a deleterious effect on protein structure/function; This variant is associated with the following publications: (PMID: 20016818, 15136673, 26162493, 25457085)

Literature cited by the submitters: PubMed 15136673 (cited by Women's Health and Genetics/Laboratory Corporation of America, LabCorp and Labcorp Genetics (formerly Invitae), Labcorp); PubMed 20016818 (cited by 3 submitters); PubMed 33432707 (cited by Women's Health and Genetics/Laboratory Corporation of America, LabCorp and Natera, Inc.); PubMed 26162493 (cited by Women's Health and Genetics/Laboratory Corporation of America, LabCorp and Natera, Inc.).